The following is an entry in ClinVar:

ClinVar aggregate classification (germline): Uncertain significance (1 of 4 stars; one submission).

Conditions:
Inborn genetic diseases. Identifiers: MedGen C0950123, MeSH D030342.

gnomAD v4.1: 1 of 1,610,480 alleles (0.000062%); highest among the groups gnomAD compares: Admixed American, 0.0017%; no homozygotes.

Submission:

Ambry Genetics
Classification: Uncertain significance for Inborn genetic diseases. Last evaluated: 2025-04-22. Review status: criteria provided, single submitter. Criteria: Ambry Variant Classification Scheme 2023. Collection method: clinical testing. Allele origin: germline.
Comment: The p.C257S variant (also known as c.770G>C), located in coding exon 4 of the ERCC6L2 gene, results from a G to C substitution at nucleotide position 770. The cysteine at codon 257 is replaced by serine, an amino acid with dissimilar properties. This amino acid position is conserved. In addition, the in silico prediction for this alteration is inconclusive. Based on the available evidence, the clinical significance of this variant remains unclear.

NM_020207.7(ERCC6L2):c.770G>C (p.Cys257Ser)

Gene: ERCC6L2 (ERCC excision repair 6 like 2; plus strand). Cytogenetic location: 9q22.32.
Variant type: single nucleotide variant.
Coding change: c.770G>C on transcript NM_020207.7 (MANE Select); coding-DNA position 770, G replaced by C.
Protein change: p.Cys257Ser; replaces cysteine 257 with serine.
Molecular consequence: missense variant. On other transcripts: non-coding transcript variant (1).
Genome position (GRCh38, 1-based): chr9:95,907,253, G>C. VCF-style: chr9-95907253-G-C. GRCh37 (hg19) VCF-style: chr9-98669535-G-C.
Other names: c.770G>C, p.Cys257Ser (NM_001010895.4, NM_001375291.1, NM_001375292.1 and 2 more transcripts); short protein forms C257S.
Identifiers: ClinVar variation 4019324 (VCV004019324.1).